The following is an entry in ClinVar:

NM_000070.3(CAPN3):c.1977_1978delinsCT (p.Lys659_Gln660delinsAsnTer)

Gene: CAPN3 (calpain 3; plus strand). Cytogenetic location: 15q15.1.
Variant type: Indel.
Coding change: c.1977_1978delinsCT on transcript NM_000070.3 (MANE Select); coding-DNA positions 1977 to 1978, GC replaced by CT.
Protein change: p.Lys659_Gln660delinsAsnTer.
Molecular consequence: nonsense. On other transcripts: 5 prime UTR variant (2).
Genome position (GRCh38, 1-based): chr15:42,409,365-42,409,366, GC replaced by CT. VCF-style: chr15-42409365-GC-CT. GRCh37 (hg19) VCF-style: chr15-42701563-GC-CT.
Other names: c.1959_1960delinsCT, p.Lys653_Gln654delinsAsnTer (NM_024344.2); c.1701_1702delinsCT, p.Lys567_Gln568delinsAsnTer (NM_173087.2); c.441_442delinsCT, p.Lys147_Gln148delinsAsnTer (NM_173088.2); c.-19_-18delinsCT (NM_173089.2, NM_173090.2).
Identifiers: ClinVar variation 1072494 (VCV001072494.7), dbSNP rs2141219910, ClinGen allele CA2499222914.
Genomic context (GRCh38, chr15:42,409,365, plus strand): 5'-ACAGCCTGGCAGCTCTGATCAGGAAAGTGAGGAACAGCAACAATTCCGGAACATTTTCAA[GC>CT]AGATAGCAGGAGATGTGAGTACCTCCAAGCCCAGGACGCCCACAGGTGCTTCCTTCTCTC-3'

ClinVar aggregate classification (germline): Pathogenic (1 of 4 stars; one submission).

Conditions:
Autosomal recessive limb-girdle muscular dystrophy type 2A (LGMDR1). Also called: LEYDEN-MOEBIUS MUSCULAR DYSTROPHY; MUSCULAR DYSTROPHY, PELVOFEMORAL; Limb-girdle muscular dystrophy, type 2A; Calpainopathy; Muscular dystrophy, limb-girdle, type 2A, Amish. Identifiers: Orphanet 267, MedGen C1869123, MONDO:0009675, OMIM 253600. Disease mechanism: loss of function.

Submission:

Labcorp Genetics (formerly Invitae), Labcorp
Classification: Pathogenic for Autosomal recessive limb-girdle muscular dystrophy type 2A. Last evaluated: 2020-08-14. Review status: criteria provided, single submitter. Criteria: Invitae Variant Classification Sherloc (09022015). Collection method: clinical testing. Allele origin: germline.
Comment: For these reasons, this variant has been classified as Pathogenic. Loss-of-function variants in CAPN3 are known to be pathogenic (PMID: 10330340, 15689361). This variant has not been reported in the literature in individuals with CAPN3-related conditions. The frequency data for this variant in the population databases is not available, as this variant may be reported as separate entries in the ExAC database. This sequence change creates a premature translational stop signal (p.Lys659_Gln660delinsAsn*) in the CAPN3 gene. It is expected to result in an absent or disrupted protein product.

Literature cited by the submitters: PubMed 10330340; PubMed 15689361.